The following is an entry in ClinVar:

NM_015335.5(MED13L):c.5978G>A (p.Cys1993Tyr)

Gene: MED13L (mediator complex subunit 13L; minus strand). Cytogenetic location: 12q24.21.
Variant type: single nucleotide variant.
Coding change: c.5978G>A on transcript NM_015335.5 (MANE Select); coding-DNA position 5978, G replaced by A.
Protein change: p.Cys1993Tyr; replaces cysteine 1993 with tyrosine.
Molecular consequence: missense variant.
Genome position (GRCh38, 1-based): chr12:115,970,683, C>T on the plus strand (G>A on the coding strand, the complement: MED13L is on the minus strand). VCF-style: chr12-115970683-C-T. GRCh37 (hg19) VCF-style: chr12-116408488-C-T.
Other names: short protein forms C1993Y.
Identifiers: ClinVar variation 1321283 (VCV001321283.1), dbSNP rs2137223521, ClinGen allele CA386876318.

ClinVar aggregate classification (germline): Uncertain significance (1 of 4 stars; one submission).

Conditions:
Cardiac anomalies - developmental delay - facial dysmorphism syndrome (MRFACD). Also called: Impaired intellectual development and distinctive facial features with or without cardiac defects; MED13L Syndrome. Identifiers: Orphanet 369891, MedGen C5192431, MONDO:0014773, OMIM 616789.

Submission:

3billion
Classification: Uncertain significance for Cardiac anomalies - developmental delay - facial dysmorphism syndrome. Last evaluated: 2021-10-25. Review status: criteria provided, single submitter. Criteria: ACMG Guidelines, 2015. Collection method: clinical testing. Allele origin: unknown. Affected: yes. Observed: 1 heterozygote.
Comment: This varant is not observed in the gnomAD v2.1.1 dataset (PM2). In silico tool predictions suggest damaging effect of the variant on gene or gene product (REVEL: 0.859, PP3). Therefore, this variant is classified as uncertain significance according to the recommendation of ACMG/AMP guideline.